The following is an entry in ClinVar:

ClinVar aggregate classification (germline): Uncertain significance. Review status: criteria provided, multiple submitters, no conflicts (2 of 4 stars). 2 submissions from 2 submitters: Uncertain significance (2). Last evaluated 2025-09-21.

Conditions:
Inborn genetic diseases. Identifiers: MedGen C0950123, MeSH D030342.

gnomAD v4.1: 2 of 1,598,082 alleles (0.00013%); highest among the groups gnomAD compares: Non-Finnish European, 0.00017%; no homozygotes.

Submissions (2):

Ambry Genetics
Classification: Uncertain significance for Inborn genetic diseases. Last evaluated: 2025-09-21. Review status: criteria provided, single submitter. Criteria: Ambry Variant Classification Scheme 2023. Collection method: clinical testing. Allele origin: germline.

Labcorp Genetics (formerly Invitae), Labcorp
Classification: Uncertain significance. Last evaluated: 2025-04-29. Review status: criteria provided, single submitter. Criteria: Invitae Variant Classification Sherloc (09022015). Collection method: clinical testing. Allele origin: germline.
Comment: This sequence change replaces leucine, which is neutral and non-polar, with phenylalanine, which is neutral and non-polar, at codon 1179 of the DCHS1 protein (p.Leu1179Phe). This variant is not present in population databases (gnomAD no frequency). This variant has not been reported in the literature in individuals affected with DCHS1-related conditions. Invitae Evidence Modeling of protein sequence and biophysical properties (such as structural, functional, and spatial information, amino acid conservation, physicochemical variation, residue mobility, and thermodynamic stability) indicates that this missense variant is not expected to disrupt DCHS1 protein function with a negative predictive value of 80%. In summary, the available evidence is currently insufficient to determine the role of this variant in disease. Therefore, it has been classified as a Variant of Uncertain Significance.

NM_003737.4(DCHS1):c.3535C>T (p.Leu1179Phe)

Gene: DCHS1 (dachsous cadherin-related 1; minus strand). Cytogenetic location: 11p15.4.
Variant type: single nucleotide variant.
Coding change: c.3535C>T on transcript NM_003737.4 (MANE Select); coding-DNA position 3535, C replaced by T.
Protein change: p.Leu1179Phe; replaces leucine 1179 with phenylalanine.
Molecular consequence: missense variant.
Genome position (GRCh38, 1-based): chr11:6,631,756, G>A on the plus strand (C>T on the coding strand, the complement: DCHS1 is on the minus strand). VCF-style: chr11-6631756-G-A. GRCh37 (hg19) VCF-style: chr11-6652987-G-A.
Other names: short protein forms L1179F.
Identifiers: ClinVar variation 4616986 (VCV004616986.2).